The following is an entry in ClinVar:

NM_173630.4(RTTN):c.2886G>A (p.Trp962Ter)

Gene: RTTN (rotatin; minus strand). Cytogenetic location: 18q22.2.
Variant type: single nucleotide variant.
Coding change: c.2886G>A on transcript NM_173630.4 (MANE Select); coding-DNA position 2886, G replaced by A.
Protein change: p.Trp962Ter; replaces tryptophan 962 with a stop codon.
Molecular consequence: nonsense.
Genome position (GRCh38, 1-based): chr18:70,134,541, C>T on the plus strand (G>A on the coding strand, the complement: RTTN is on the minus strand). VCF-style: chr18-70134541-C-T. GRCh37 (hg19) VCF-style: chr18-67801777-C-T.
Other names: c.150G>A, p.Trp50Ter (NM_001318520.2); short protein forms W962*, W50*.
Identifiers: ClinVar variation 2056518 (VCV002056518.5), dbSNP rs1599716037, ClinGen allele CA402695470.

ClinVar aggregate classification (germline): Pathogenic. Review status: criteria provided, multiple submitters, no conflicts (2 of 4 stars). 2 submissions from 2 submitters: Pathogenic (2). Last evaluated 2023-08-22.

Conditions:
Microcephalic primordial dwarfism due to RTTN deficiency (MSSP). Also called: Microcephaly, short stature, and polymicrogyria with or without seizures; MICROCEPHALY, SHORT STATURE, AND POLYMICROGYRIA. Identifiers: Orphanet 468631, MedGen C3553831, MONDO:0018764, OMIM 614833.

Submissions (2):

3billion
Classification: Pathogenic for Microcephalic primordial dwarfism due to RTTN deficiency. Last evaluated: 2023-08-22. Review status: criteria provided, single submitter. Criteria: ACMG Guidelines, 2015. Collection method: clinical testing. Allele origin: germline. Affected: yes.
Comment: The variant is not observed in the gnomAD v2.1.1 dataset. Predicted Consequence/Location: Stop-gained (nonsense): predicted to result in a loss or disruption of normal protein function through nonsense-mediated decay (NMD) or protein truncation. Multiple pathogenic variants are reported downstream of the variant. The variant has been reported to be associated with RTTN related disorder (ClinVar ID: VCV002056518). Therefore, this variant is classified as Pathogenic according to the recommendation of ACMG/AMP guideline.

Labcorp Genetics (formerly Invitae), Labcorp
Classification: Pathogenic. Last evaluated: 2022-05-06. Review status: criteria provided, single submitter. Criteria: Invitae Variant Classification Sherloc (09022015). Collection method: clinical testing. Allele origin: germline.
Comment: For these reasons, this variant has been classified as Pathogenic. Algorithms developed to predict the effect of sequence changes on RNA splicing suggest that this variant may disrupt the consensus splice site. This variant has not been reported in the literature in individuals affected with RTTN-related conditions. This variant is not present in population databases (gnomAD no frequency). This sequence change creates a premature translational stop signal (p.Trp962*) in the RTTN gene. It is expected to result in an absent or disrupted protein product. Loss-of-function variants in RTTN are known to be pathogenic (PMID: 26608784, 26846091).

Literature cited by the submitters: PubMed 26608784 (cited by Labcorp Genetics (formerly Invitae), Labcorp); PubMed 26846091 (cited by Labcorp Genetics (formerly Invitae), Labcorp).